The following is an entry in ClinVar:

NM_007254.4(PNKP):c.1291_1298+5dup

Gene: PNKP (polynucleotide kinase 3'-phosphatase; minus strand). Cytogenetic location: 19q13.33.
Variant type: Duplication.
Coding change: c.1291_1298+5dup on transcript NM_007254.4 (MANE Select); coding-DNA position 1291 through 5 bases into the intron after coding-DNA position 1298, 13 bases duplicated (CGCGCCAGGTAGC).
Molecular consequence: splice donor variant.
Genome position (GRCh38, 1-based): chr19:49,861,767-49,861,779, GCTACCTGGCGCG duplicated on the plus strand (CGCGCCAGGTAGC on the coding strand, the reverse complement: PNKP is on the minus strand); duplicating any 13 consecutive bases within chr19:49,861,767-49,861,782 gives the same sequence; the c. name uses the placement nearest the transcript's 3' end. VCF-style (leftmost placement, unchanged base first): chr19-49861766-C-CGCTACCTGGCGCG. GRCh37 (hg19) VCF-style: chr19-50365023-C-CGCTACCTGGCGCG.
Identifiers: ClinVar variation 946730 (VCV000946730.9), dbSNP rs1568658937, ClinGen allele CA633894516.

ClinVar aggregate classification (germline): Uncertain significance (1 of 4 stars; one submission).

Conditions:
Developmental and epileptic encephalopathy, 12 (DEE12). Identifiers: MedGen C3150988, MONDO:0013389, OMIM 613722.

Submission:

Labcorp Genetics (formerly Invitae), Labcorp
Classification: Uncertain significance for Developmental and epileptic encephalopathy, 12. Last evaluated: 2024-10-15. Review status: criteria provided, single submitter. Criteria: Invitae Variant Classification Sherloc (09022015). Collection method: clinical testing. Allele origin: germline.
Comment: This sequence change falls in intron 14 of the PNKP gene. It does not directly change the encoded amino acid sequence of the PNKP protein. It affects a nucleotide within the consensus splice site. This variant is present in population databases (no rsID available, gnomAD 0.01%). This variant has not been reported in the literature in individuals affected with PNKP-related conditions. ClinVar contains an entry for this variant (Variation ID: 946730). Variants that disrupt the consensus splice site are a relatively common cause of aberrant splicing (PMID: 17576681, 9536098). In summary, the available evidence is currently insufficient to determine the role of this variant in disease. Therefore, it has been classified as a Variant of Uncertain Significance.

Literature cited by the submitters: PubMed 17576681; PubMed 9536098.